The following is an entry in ClinVar:

ClinVar aggregate classification (germline): Pathogenic (1 of 4 stars; one submission).

Submission:

CeGaT Center for Human Genetics Tuebingen
Classification: Pathogenic. Last evaluated: 2023-05-01. Review status: criteria provided, single submitter. Criteria: CeGaT Center For Human Genetics Tuebingen Variant Classification Criteria Version 2. Collection method: clinical testing. Allele origin: germline. Affected: yes. Observed: 1 variant allele.
Comment: ANK1: PVS1, PM2, PP4

NM_000037.4(ANK1):c.2559-1G>A

Gene: ANK1 (ankyrin 1; minus strand). Cytogenetic location: 8p11.21.
Variant type: single nucleotide variant.
Coding change: c.2559-1G>A on transcript NM_000037.4 (MANE Select); the canonical splice acceptor site of the intron before coding-DNA position 2559, G replaced by A.
Molecular consequence: splice acceptor variant.
Genome position (GRCh38, 1-based): chr8:41,698,122, C>T on the plus strand (G>A on the coding strand, the complement: ANK1 is on the minus strand). VCF-style: chr8-41698122-C-T. GRCh37 (hg19) VCF-style: chr8-41555640-C-T.
Other names: c.2682-1G>A (NM_001142446.2); c.2559-1G>A (NM_020477.3, NM_020475.3, NM_020476.3).
Identifiers: ClinVar variation 2571316 (VCV002571316.27), dbSNP rs2486794207, ClinGen allele CA371063485.